The following is an entry in ClinVar:

NM_022124.6(CDH23):c.3067G>A (p.Asp1023Asn)

Gene: CDH23 (cadherin related 23; plus strand). Cytogenetic location: 10q22.1.
Variant type: single nucleotide variant.
Coding change: c.3067G>A on transcript NM_022124.6 (MANE Select); coding-DNA position 3067, G replaced by A.
Protein change: p.Asp1023Asn; replaces aspartic acid 1023 with asparagine.
Molecular consequence: missense variant.
Genome position (GRCh38, 1-based): chr10:71,707,010, G>A. VCF-style: chr10-71707010-G-A. GRCh37 (hg19) VCF-style: chr10-73466767-G-A.
Other names: c.3067G>A, p.Asp1023Asn (NM_001171930.2, NM_001171931.2); short protein forms D1023N.
Identifiers: ClinVar variation 423185 (VCV000423185.11), dbSNP rs1064796283, ClinGen allele CA16618979.
Genomic context (GRCh38, chr10:71,707,010, plus strand): 5'-TCTGTGTCCGAGGACGTGCCACGCGAGTTCCGGGTGGTCTGGCTGAACTGCACGGACAAC[G>A]ACGTGGGCCTCAATGCAGAGCTCAGCTACTTCATCACAGGTGCTGCCCCGGCCTCCGCCC-3'
Protein context (NP_071407.4, residues 1013-1033): RVVWLNCTDN[Asp1023Asn]VGLNAELSYF

ClinVar aggregate classification (germline): Uncertain significance. Review status: criteria provided, multiple submitters, no conflicts (2 of 4 stars). 4 submissions from 4 submitters: Uncertain significance (3). 1 of the submissions does not count toward it. Last evaluated 2022-08-15.

Conditions:
Usher syndrome type 1 (USH1). Also called: RETINITIS PIGMENTOSA AND CONGENITAL DEAFNESS. Identifiers: Orphanet 231169, Orphanet 886, MedGen C1568247, MONDO:0010168, OMIM 276900.

Allele frequency attached by ClinVar (database versions not stated): gnomAD exomes below 0.00001.
gnomAD v4.1: 7 of 1,607,676 alleles (0.00044%); highest among the groups gnomAD compares: South Asian, 0.0022%; no homozygotes.

Submissions (4):

Labcorp Genetics (formerly Invitae), Labcorp
Classification: Uncertain significance. Last evaluated: 2022-08-15. Review status: criteria provided, single submitter. Criteria: Invitae Variant Classification Sherloc (09022015). Collection method: clinical testing. Allele origin: germline.
Comment: This sequence change replaces aspartic acid, which is acidic and polar, with asparagine, which is neutral and polar, at codon 1023 of the CDH23 protein (p.Asp1023Asn). The frequency data for this variant in the population databases is considered unreliable, as metrics indicate poor data quality at this position in the gnomAD database. This missense change has been observed in individual(s) with deafness (PMID: 23804846). ClinVar contains an entry for this variant (Variation ID: 423185). Algorithms developed to predict the effect of missense changes on protein structure and function are either unavailable or do not agree on the potential impact of this missense change (SIFT: "Deleterious"; PolyPhen-2: "Not Available"; Align-GVGD: "Class C15"). In summary, the available evidence is currently insufficient to determine the role of this variant in disease. Therefore, it has been classified as a Variant of Uncertain Significance.

Laboratory for Molecular Medicine, Mass General Brigham Personalized Medicine
Classification: Uncertain significance. Last evaluated: 2019-01-25. Review status: criteria provided, single submitter. Criteria: LMM Criteria. Collection method: clinical testing. Allele origin: germline. Observed: 1 variant allele.
Comment: The p.Asp1023Asn variant in CDH23 has been previously reported in one individual with hearing loss, who was homozygous for the variant (Shearer 2013). It is present in 0.001% (1/106970) of European chromosomes by gnomAD and in ClinVar (Variation ID 423185). Computational prediction tools and conservation analysis suggest that this variant may impact the protein, though this information is not predictive enough to determine pathogenicity. In summary, the clinical significance of this variant is uncertain. ACMG/AMP criteria applied: PM2, PP3, PM3_Supporting.

GeneDx
Classification: Uncertain significance. Last evaluated: 2018-11-02. Review status: criteria provided, single submitter. Criteria: GeneDx Variant Classification (06012015). Collection method: clinical testing. Allele origin: germline. Affected: yes.
Comment: The D1023N variant has been previously published as a homozygous variant in association with hearing loss (Shearer et al., 2013). The variant is not observed in large population cohorts (Lek et al., 2016). D1023N is a semi-conservative amino acid substitution, which may impact secondary protein structure as these residues differ in some properties. In-silico analyses, including protein predictors and evolutionary conservation, support a deleterious effect. In summary, based on the currently available information, it is unclear whether this variant is a pathogenic variant or a rare benign variant.

Natera, Inc.
Classification: Uncertain significance for Usher syndrome type 1. Last evaluated: 2020-09-16. Review status: no assertion criteria provided. Collection method: clinical testing. Allele origin: germline. Not counted in ClinVar's aggregate classification.

Literature cited by the submitters: PubMed 23804846 (cited by Labcorp Genetics (formerly Invitae), Labcorp and Laboratory for Molecular Medicine, Mass General Brigham Personalized Medicine).